The following is an entry in ClinVar:

NM_138395.4(MARS2):c.247A>G (p.Thr83Ala)

Gene: MARS2 (methionyl-tRNA synthetase 2, mitochondrial; plus strand). Cytogenetic location: 2q33.1.
Variant type: single nucleotide variant.
Coding change: c.247A>G on transcript NM_138395.4 (MANE Select); coding-DNA position 247, A replaced by G.
Protein change: p.Thr83Ala; replaces threonine 83 with alanine.
Molecular consequence: missense variant.
Genome position (GRCh38, 1-based): chr2:197,705,652, A>G. VCF-style: chr2-197705652-A-G. GRCh37 (hg19) VCF-style: chr2-198570376-A-G.
Other names: short protein forms T83A.
Identifiers: ClinVar variation 1707918 (VCV001707918.9), dbSNP rs2089468193, ClinGen allele CA350211788.

ClinVar aggregate classification (germline): Conflicting classifications of pathogenicity. Review status: criteria provided, conflicting classifications (1 of 4 stars). 3 submissions from 3 submitters: Uncertain significance (2); Likely benign (1). Last evaluated 2026-06-30.

Allele frequency attached by ClinVar (database versions not stated): gnomAD exomes below 0.00001; TOPMed 0.00002.

Submissions (3):

GeneDx
Classification: Uncertain significance. Last evaluated: 2026-06-30. Review status: criteria provided, single submitter. Criteria: GeneDx Variant Classification Process June 2021. Collection method: clinical testing. Allele origin: germline.
Comment: Not observed at significant frequency in large population cohorts (gnomAD); In silico analysis suggests that this missense variant does not alter protein structure/function; Has not been previously published as pathogenic or benign to our knowledge

Ambry Genetics
Classification: Likely benign. Last evaluated: 2024-01-08. Review status: criteria provided, single submitter. Criteria: Ambry Variant Classification Scheme 2023. Collection method: clinical testing. Allele origin: germline.

Labcorp Genetics (formerly Invitae), Labcorp
Classification: Uncertain significance. Last evaluated: 2023-04-10. Review status: criteria provided, single submitter. Criteria: Invitae Variant Classification Sherloc (09022015). Collection method: clinical testing. Allele origin: germline.
Comment: ClinVar contains an entry for this variant (Variation ID: 1707918). In summary, the available evidence is currently insufficient to determine the role of this variant in disease. Therefore, it has been classified as a Variant of Uncertain Significance. Algorithms developed to predict the effect of missense changes on protein structure and function output the following: SIFT: "Not Available"; PolyPhen-2: "Benign"; Align-GVGD: "Not Available". The alanine amino acid residue is found in multiple mammalian species, which suggests that this missense change does not adversely affect protein function. This variant has not been reported in the literature in individuals affected with MARS2-related conditions. This variant is not present in population databases (gnomAD no frequency). This sequence change replaces threonine, which is neutral and polar, with alanine, which is neutral and non-polar, at codon 83 of the MARS2 protein (p.Thr83Ala).